The following is an entry in ClinVar:

NM_000274.4(OAT):c.1203A>G (p.Gly401=)

Gene: OAT (ornithine aminotransferase; minus strand). Cytogenetic location: 10q26.13.
Variant type: single nucleotide variant.
Coding change: c.1203A>G on transcript NM_000274.4 (MANE Select); coding-DNA position 1203, A replaced by G.
Protein change: p.Gly401=; no amino-acid change (glycine 401 retained).
Molecular consequence: synonymous variant.
Genome position (GRCh38, 1-based): chr10:124,398,059, T>C on the plus strand (A>G on the coding strand, the complement: OAT is on the minus strand). VCF-style: chr10-124398059-T-C. GRCh37 (hg19) VCF-style: chr10-126086628-T-C.
Other names: c.789A>G, p.Gly263= (NM_001171814.2); c.1203A>G, p.Gly401= (NM_001322965.2, NM_001322966.2, NM_001322967.2 and 3 more transcripts); c.882A>G, p.Gly294= (NM_001322971.2); c.603A>G, p.Gly201= (NM_001322974.2).
Identifiers: ClinVar variation 4989570 (VCV004989570.1).

ClinVar aggregate classification (germline): Likely benign (1 of 4 stars; one submission).

Conditions:
OAT-related disorder. Also called: OAT-related condition.

gnomAD v4.1: 4 of 1,613,920 alleles (0.00025%); highest among the groups gnomAD compares: African/African-American, 0.0013%; no homozygotes.

Submission:

PreventionGenetics, part of Exact Sciences
Classification: Likely benign for OAT-related condition. Last evaluated: 2025-05-28. Review status: criteria provided, single submitter. Criteria: ACMG Guidelines, 2015. Collection method: clinical testing. Allele origin: germline.
Comment: This variant is classified as likely benign based on ACMG/AMP sequence variant interpretation guidelines (Richards et al. 2015 PMID: 25741868, with internal and published modifications).